The following is an entry in ClinVar:

ClinVar aggregate classification (germline): Uncertain significance (1 of 4 stars; one submission).

gnomAD v4.1: 3 of 1,613,506 alleles (0.00019%); highest among the groups gnomAD compares: Non-Finnish European, 0.00025%; no homozygotes.

Submission:

Labcorp Genetics (formerly Invitae), Labcorp
Classification: Uncertain significance. Last evaluated: 2022-07-19. Review status: criteria provided, single submitter. Criteria: Invitae Variant Classification Sherloc (09022015). Collection method: clinical testing. Allele origin: germline.
Comment: In summary, the available evidence is currently insufficient to determine the role of this variant in disease. Therefore, it has been classified as a Variant of Uncertain Significance. Algorithms developed to predict the effect of missense changes on protein structure and function (SIFT, PolyPhen-2, Align-GVGD) all suggest that this variant is likely to be tolerated. ClinVar contains an entry for this variant (Variation ID: 1470092). This variant has not been reported in the literature in individuals affected with TTLL5-related conditions. This variant is present in population databases (no rsID available, gnomAD 0.002%). This sequence change replaces isoleucine, which is neutral and non-polar, with methionine, which is neutral and non-polar, at codon 3 of the TTLL5 protein (p.Ile3Met).

NM_015072.5(TTLL5):c.9C>G (p.Ile3Met)

Gene: TTLL5 (tubulin tyrosine ligase like 5; plus strand). Cytogenetic location: 14q24.3.
Variant type: single nucleotide variant.
Coding change: c.9C>G on transcript NM_015072.5 (MANE Select); coding-DNA position 9, C replaced by G.
Protein change: p.Ile3Met; replaces isoleucine 3 with methionine.
Molecular consequence: missense variant.
Genome position (GRCh38, 1-based): chr14:75,663,158, C>G. VCF-style: chr14-75663158-C-G. GRCh37 (hg19) VCF-style: chr14-76129501-C-G.
Other names: short protein forms I3M.
Identifiers: ClinVar variation 1470092 (VCV001470092.7), dbSNP rs755802095, ClinGen allele CA390465071.